The following is an entry in ClinVar:

NM_020706.2(SCAF4):c.1925C>T (p.Ala642Val)

Gene: SCAF4 (SR-related CTD associated factor 4; minus strand). Cytogenetic location: 21q22.11.
Variant type: single nucleotide variant.
Coding change: c.1925C>T on transcript NM_020706.2 (MANE Select); coding-DNA position 1925, C replaced by T.
Protein change: p.Ala642Val; replaces alanine 642 with valine.
Molecular consequence: missense variant.
Genome position (GRCh38, 1-based): chr21:31,688,425, G>A on the plus strand (C>T on the coding strand, the complement: SCAF4 is on the minus strand). VCF-style: chr21-31688425-G-A. GRCh37 (hg19) VCF-style: chr21-33060738-G-A.
Other names: c.1880C>T, p.Ala627Val (NM_001145444.1); c.1925C>T, p.Ala642Val (NM_001145445.1); short protein forms A627V, A642V.
Identifiers: ClinVar variation 1331587 (VCV001331587.4), dbSNP rs2123514599, ClinGen allele CA410045940.

ClinVar aggregate classification (germline): Uncertain significance (1 of 4 stars; one submission).

Allele frequency attached by ClinVar (database versions not stated): gnomAD exomes below 0.00001.
gnomAD v4.1: 2 of 1,613,980 alleles (0.00012%); highest among the groups gnomAD compares: East Asian, 0.0022%; no homozygotes.

Submission:

Greenwood Genetic Center Diagnostic Laboratories, Greenwood Genetic Center
Classification: Uncertain significance. Last evaluated: 2021-01-05. Review status: criteria provided, single submitter. Criteria: ACMG Guidelines, 2015. Collection method: clinical testing. Allele origin: germline. Affected: yes.
Comment: PM2